The following is an entry in ClinVar:

NM_198241.3(EIF4G1):c.2979C>T (p.Arg993=)

Gene: EIF4G1 (eukaryotic translation initiation factor 4 gamma 1; plus strand). Cytogenetic location: 3q27.1.
Variant type: single nucleotide variant.
Coding change: c.2979C>T on transcript NM_198241.3 (MANE Select); coding-DNA position 2979, C replaced by T.
Protein change: p.Arg993=; no amino-acid change (arginine 993 retained).
Molecular consequence: synonymous variant.
Genome position (GRCh38, 1-based): chr3:184,325,497, C>T. VCF-style: chr3-184325497-C-T. GRCh37 (hg19) VCF-style: chr3-184043285-C-T.
Other names: c.2979C>T (NM_198241.2); c.3000C>T, p.Arg1000= (NM_001194946.2, NM_001194947.2); c.2859C>T, p.Arg953= (NM_001291157.2); c.2394C>T, p.Arg798= (NM_004953.5); c.2982C>T, p.Arg994= (NM_182917.4); c.2487C>T, p.Arg829= (NM_198242.3); c.2718C>T, p.Arg906= (NM_198244.3).
Identifiers: ClinVar variation 1210075 (VCV001210075.6), dbSNP rs11918961, ClinGen allele CA2732641.

ClinVar aggregate classification (germline): Likely benign. Review status: criteria provided, multiple submitters, no conflicts (2 of 4 stars). 6 submissions from 6 submitters: Likely benign (3). 3 of the submissions do not count toward it. Last evaluated 2024-09-13.

Conditions:
Parkinson disease 18, autosomal dominant, susceptibility to. Identifiers: Orphanet 411602, MedGen C3280271, MONDO:0013653, OMIM 614251.
EIF4G1-related disorder. Also called: EIF4G1-related condition.

Allele frequency attached by ClinVar (database versions not stated): gnomAD exomes 0.00021 and 0.00057; ExAC 0.00063; ESP Exome Variant Server 0.00246; 1000 Genomes Project 0.00319; 1000 Genomes Project 30x 0.00344.
gnomAD v4.1: 689 of 1,614,138 alleles (0.043%); highest among the groups gnomAD compares: African/African-American, 0.8%; 3 homozygotes.

Submissions (6):

Blueprint Genetics
Classification: Likely benign. Last evaluated: 2024-09-13. Review status: criteria provided, single submitter. Criteria: ACMG Guidelines, 2015. Collection method: clinical testing. Allele origin: germline.

Fulgent Genetics
Classification: Likely benign for Parkinson disease 18, autosomal dominant, susceptibility to. Last evaluated: 2021-09-15. Review status: criteria provided, single submitter. Criteria: ACMG Guidelines, 2015. Collection method: clinical testing. Allele origin: unknown.

Breakthrough Genomics
Classification: Likely benign. Review status: criteria provided, single submitter. Criteria: ACMG Guidelines, 2015. Collection method: not provided. Allele origin: germline. Inheritance: Autosomal dominant inheritance. Affected: yes.

PreventionGenetics, part of Exact Sciences
Classification: Likely benign for EIF4G1-related condition. Last evaluated: 2024-08-09. Review status: no assertion criteria provided. Collection method: clinical testing. Allele origin: germline. Not counted in ClinVar's aggregate classification.
Comment: This variant is classified as likely benign based on ACMG/AMP sequence variant interpretation guidelines (Richards et al. 2015 PMID: 25741868, with internal and published modifications).

Clinical Genetics DNA and cytogenetics Diagnostics Lab, Erasmus MC, Erasmus Medical Center
Classification: Likely benign. Review status: no assertion criteria provided. Collection method: clinical testing. Allele origin: germline. Affected: yes. Study: VKGL Data-share Consensus. Not counted in ClinVar's aggregate classification.

Genome Diagnostics Laboratory, Amsterdam University Medical Center
Classification: Likely benign. Review status: no assertion criteria provided. Collection method: clinical testing. Allele origin: germline. Affected: yes. Study: VKGL Data-share Consensus. Not counted in ClinVar's aggregate classification.